The following is an entry in ClinVar:

ClinVar aggregate classification (germline): Uncertain significance (1 of 4 stars; one submission).

Submission:

Ambry Genetics
Classification: Uncertain significance. Last evaluated: 2023-12-16. Review status: criteria provided, single submitter. Criteria: Ambry Variant Classification Scheme 2023. Collection method: clinical testing. Allele origin: germline.
Comment: The p.S1002F variant (also known as c.3005C>T), located in coding exon 27 of the KIF1B gene, results from a C to T substitution at nucleotide position 3005. The serine at codon 1002 is replaced by phenylalanine, an amino acid with highly dissimilar properties. This amino acid position is highly conserved in available vertebrate species. In addition, this alteration is predicted to be deleterious by in silico analysis. Since supporting evidence is limited at this time, the clinical significance of this alteration remains unclear.

NM_001365951.3(KIF1B):c.3143C>T (p.Ser1048Phe)

Gene: KIF1B (kinesin family member 1B; plus strand). Cytogenetic location: 1p36.22.
Variant type: single nucleotide variant.
Coding change: c.3143C>T on transcript NM_001365951.3 (MANE Select); coding-DNA position 3143, C replaced by T.
Protein change: p.Ser1048Phe; replaces serine 1048 with phenylalanine.
Molecular consequence: missense variant.
Genome position (GRCh38, 1-based): chr1:10,337,087, C>T. VCF-style: chr1-10337087-C-T. GRCh37 (hg19) VCF-style: chr1-10397145-C-T.
Other names: c.3143C>T, p.Ser1048Phe (NM_001365952.1); c.3005C>T, p.Ser1002Phe (NM_015074.3); short protein forms S1002F, S1048F.
Identifiers: ClinVar variation 1798735 (VCV001798735.2), dbSNP rs2102315756, ClinGen allele CA338339590.